The following is an entry in ClinVar:

ClinVar aggregate classification (germline): Uncertain significance (1 of 4 stars; one submission).

Submission:

Ambry Genetics
Classification: Uncertain significance. Last evaluated: 2024-03-02. Review status: criteria provided, single submitter. Criteria: Ambry Variant Classification Scheme 2023. Collection method: clinical testing. Allele origin: germline.
Comment: The p.H114Y variant (also known as c.340C>T), located in coding exon 1 of the GALNT12 gene, results from a C to T substitution at nucleotide position 340. The histidine at codon 114 is replaced by tyrosine, an amino acid with similar properties. This amino acid position is conserved. In addition, the in silico prediction for this alteration is inconclusive. Based on the available evidence, the clinical significance of this alteration remains unclear.

NM_024642.5(GALNT12):c.340C>T (p.His114Tyr)

Gene: GALNT12 (polypeptide N-acetylgalactosaminyltransferase 12; plus strand). Cytogenetic location: 9q22.33.
Variant type: single nucleotide variant.
Coding change: c.340C>T on transcript NM_024642.5 (MANE Select); coding-DNA position 340, C replaced by T.
Protein change: p.His114Tyr; replaces histidine 114 with tyrosine.
Molecular consequence: missense variant.
Genome position (GRCh38, 1-based): chr9:98,808,038, C>T. VCF-style: chr9-98808038-C-T. GRCh37 (hg19) VCF-style: chr9-101570320-C-T.
Other names: short protein forms H114Y.
Identifiers: ClinVar variation 3227948 (VCV003227948.1), dbSNP rs2490456371, ClinGen allele CA374223050.
Genomic context (GRCh38, chr9:98,808,038, plus strand): 5'-CAGGAGGAGAGCGTGCGGCTGCACCAGATTAACATCTACCTCAGCGACCGCATCTCACTG[C>T]ACCGCCGCCTGCCCGAGCGCTGGAACCCGCTGTGAGTGCACAGCTCTGGGGAGGAAGCCC-3'
Protein context (NP_078918.3, residues 104-124): NIYLSDRISL[His114Tyr]RRLPERWNPL